The following is an entry in ClinVar:

ClinVar aggregate classification (germline): Likely benign (1 of 4 stars; one submission).

Conditions:
POLD1-related polyposis and colorectal cancer syndrome (CRCS10). Also called: Colorectal cancer 10; COLORECTAL CANCER, SUSCEPTIBILITY TO, ON CHROMOSOME 19q; Colorectal cancer, susceptibility to, 10. Identifiers: Orphanet 220460, MedGen C2675481, MONDO:0012953, OMIM 612591.

gnomAD v4.1: 1 of 1,606,712 alleles (0.000062%); highest among the groups gnomAD compares: Non-Finnish European, 0.000085%; no homozygotes.

Submission:

Myriad Genetics, Inc.
Classification: Likely benign for POLD1-related polyposis and colorectal cancer syndrome. Last evaluated: 2025-02-06. Review status: criteria provided, single submitter. Criteria: Myriad Autosomal Dominant, Autosomal Recessive and X-Linked Classification Criteria (2023). Collection method: clinical testing. Allele origin: unknown.
Comment: This variant is considered likely benign. This variant is intronic and is not expected to impact mRNA splicing.

NM_002691.4(POLD1):c.1384-11C>T

Gene: POLD1 (DNA polymerase delta 1, catalytic subunit; plus strand). Cytogenetic location: 19q13.33.
Variant type: single nucleotide variant.
Coding change: c.1384-11C>T on transcript NM_002691.4 (MANE Select); 11 bases into the intron before coding-DNA position 1384, C replaced by T.
Molecular consequence: intron variant.
Genome position (GRCh38, 1-based): chr19:50,406,396, C>T. VCF-style: chr19-50406396-C-T. GRCh37 (hg19) VCF-style: chr19-50909653-C-T.
Other names: c.1384-11C>T (NM_001256849.1, NM_001308632.1).
Identifiers: ClinVar variation 3904311 (VCV003904311.1).